The following is an entry in ClinVar:

ClinVar aggregate classification (germline): Uncertain significance. Review status: criteria provided, multiple submitters, no conflicts (2 of 4 stars). 2 submissions from 2 submitters: Uncertain significance (2). Last evaluated 2023-06-20.

Conditions:
Intellectual disability, autosomal recessive 42 (NEDDSBA). Also called: GLYCOSYLPHOSPHATIDYLINOSITOL BIOSYNTHESIS DEFECT 9; Neurodevelopmental disorder with dysmorphic features, spasticity, and brain abnormalities. Identifiers: Orphanet 88616, MedGen C4014343, MONDO:0014348, OMIM 615802.

Allele frequency attached by ClinVar (database versions not stated): gnomAD 0.00001; gnomAD exomes 0.00010.
gnomAD v4.1: 130 of 1,536,864 alleles (0.0085%); highest among the groups gnomAD compares: Non-Finnish European, 0.011%; no homozygotes.

Submissions (2):

GeneDx
Classification: Uncertain significance. Last evaluated: 2023-06-20. Review status: criteria provided, single submitter. Criteria: GeneDx Variant Classification Process June 2021. Collection method: clinical testing. Allele origin: germline. Affected: yes.
Comment: Not observed at significant frequency in large population cohorts (gnomAD); In silico analysis supports that this missense variant has a deleterious effect on protein structure/function; Has not been previously published as pathogenic or benign to our knowledge

Labcorp Genetics (formerly Invitae), Labcorp
Classification: Uncertain significance for Intellectual disability, autosomal recessive 42. Last evaluated: 2022-07-11. Review status: criteria provided, single submitter. Criteria: Invitae Variant Classification Sherloc (09022015). Collection method: clinical testing. Allele origin: germline.
Comment: In summary, the available evidence is currently insufficient to determine the role of this variant in disease. Therefore, it has been classified as a Variant of Uncertain Significance. Algorithms developed to predict the effect of missense changes on protein structure and function are either unavailable or do not agree on the potential impact of this missense change (SIFT: "Deleterious"; PolyPhen-2: "Benign"; Align-GVGD: "Class C0"). This variant has not been reported in the literature in individuals affected with PGAP1-related conditions. The frequency data for this variant in the population databases is considered unreliable, as metrics indicate poor data quality at this position in the gnomAD database. This sequence change replaces glutamic acid, which is acidic and polar, with glycine, which is neutral and non-polar, at codon 461 of the PGAP1 protein (p.Glu461Gly).

NM_024989.4(PGAP1):c.1382A>G (p.Glu461Gly)

Gene: PGAP1 (post-GPI attachment to proteins inositol deacylase 1; minus strand). Cytogenetic location: 2q33.1.
Variant type: single nucleotide variant.
Coding change: c.1382A>G on transcript NM_024989.4 (MANE Select); coding-DNA position 1382, A replaced by G.
Protein change: p.Glu461Gly; replaces glutamic acid 461 with glycine.
Molecular consequence: missense variant.
Genome position (GRCh38, 1-based): chr2:196,875,790, T>C on the plus strand (A>G on the coding strand, the complement: PGAP1 is on the minus strand). VCF-style: chr2-196875790-T-C. GRCh37 (hg19) VCF-style: chr2-197740514-T-C.
Other names: c.860A>G, p.Glu287Gly (NM_001321099.2); c.215A>G, p.Glu72Gly (NM_001321100.2); c.1382A>G (NM_024989.3); short protein forms E72G, E287G, E461G.
Identifiers: ClinVar variation 1918606 (VCV001918606.6), dbSNP rs768659717, ClinGen allele CA62785391.